The following continues an entry in ClinVar:

NM_001199107.2(TBC1D24):c.457G>A (p.Glu153Lys)

Gene: TBC1D24. ClinVar aggregate classification (germline): Pathogenic/Likely pathogenic. Pathogenic (4); Likely pathogenic (8).

Submissions 12 to 13 of 13:

Laboratory for Molecular Medicine, Mass General Brigham Personalized Medicine
Classification: Likely pathogenic for Rare genetic deafness. Last evaluated: 2017-11-13. Review status: criteria provided, single submitter. Criteria: LMM Criteria. Collection method: clinical testing. Allele origin: germline. Inheritance: Autosomal recessive inheritance. Observed: 2 variant alleles.
Comment: The p.Glu153Lys variant in TBC1D24 has been indentified in 5 individuals with TB C1D24-associated features. One individual had nonsyndromic hearing loss and was compound heterozygote for this variant as well as a VUS variant, both of which s egregated in a sibling with hearing loss (Bakhchane 2015). The p.Glu153Lys variant has been identified in 3/20274 Finnish and 12/110864 European chromosomes by the Genome Aggregation Database (gnomAD; dbSNP rs376712059), and has been reported in ClinVar (Variati on ID 207499). Although there is a wide range of clinical features reported for affected individuals that carry this variant, these features are consistent with the phenotypic spectrum associated with TBC1D24-associated disorders. In additi on, the segregation of the variant in similarly affected family members in three unrelated families supports a causative role for the variant. Furthermore, comp utational prediction tools and conservation analysis suggest that the p.Glu153Ly s variant may impact the protein. In summary, although additional studies are r equired to fully establish its clinical significance, this variant is likely pat hogenic. ACMG/AMP Criteria applied: PP1_S, PM3_S, PM2, PM3, PP3, PP4.

Ambry Genetics
Classification: Uncertain significance for Inborn genetic diseases. Last evaluated: 2016-04-16. Review status: flagged submission. Criteria: Ambry Variant Classification Scheme 2023. Collection method: clinical testing. Allele origin: germline. Not counted in ClinVar's aggregate classification.
Comment: The p.E153K variant (also known as c.457G>A), located in coding exon 1 of the TBC1D24 gene, results from a G to A substitution at nucleotide position 457. The glutamic acid at codon 153 is replaced by lysine, an amino acid with similar properties. This alteration was detected in the homozygous state in two brothers of Algerian descent from a consanguineous family with early onset focal myoclonic fits that evolved to generalized myoclonus, developmental delay, moderate learning concerns, and a diagnosis of familial infantile myoclonic epilepsy; however, TBC1D24 was the only gene analyzed (Poulat AL, Epilepsy Res. 2015 Mar; 111:72-7). In addition, this alteration was detected in trans with another alteration in the TBC1D24 via whole exome sequencing in two siblings with nonsyndromic hearing loss (Bakhchane A, PLoS ONE 2015; 10(9):e0138072). This variant was previously reported in the SNPDatabase as rs376712059. Based on data from the NHLBI Exome Sequencing Project (ESP), the A allele has an overall frequency of approximately 0.01% (1/12876) total alleles studied and 0.01% (1/8536) European American alleles. Based on data from ExAC, the A allele has an overall frequency of approximately <0.01% (8/104258) total alleles studied (TCGA excluded). This amino acid position is highly conserved in available vertebrate species. In addition, the in silico prediction for this alteration is inconclusive. Based on available evidence to date, the clinical significance of this variant remains unclear.
ClinVar note: Reason: Older and outlier claim with insufficient supporting evidence

Literature cited by the submitters: PubMed 25769375 (cited by 7 submitters); PubMed 26371875 (cited by 5 submitters); PubMed 28428906 (cited by 5 submitters); PubMed 28292732 (cited by 3 submitters); PubMed 27281533 (cited by Athena Diagnostics and Laboratory for Molecular Medicine, Mass General Brigham Personalized Medicine); PubMed 33619735 (cited by Athena Diagnostics); PubMed 31216405 (cited by Athena Diagnostics); PubMed 28726039 (cited by Athena Diagnostics); PubMed 32004315 (cited by Athena Diagnostics).